The following is an entry in ClinVar:

ClinVar aggregate classification (germline): Uncertain significance (1 of 4 stars; one submission).

Conditions:
Shprintzen-Goldberg syndrome (SGS). Also called: SHPRINTZEN-GOLDBERG CRANIOSYNOSTOSIS SYNDROME; CRANIOSYNOSTOSIS WITH ARACHNODACTYLY AND ABDOMINAL HERNIAS; Marfanoid disorder with craniosynostosis type 1; Marfanoid craniosynostosis syndrome; Shprintzen-Goldberg marfanoid syndrome. Identifiers: Orphanet 2462, MedGen C1321551, MONDO:0008426, OMIM 182212.

gnomAD v4.1: 1 of 1,613,194 alleles (0.000062%); no homozygotes.

Submission:

Labcorp Genetics (formerly Invitae), Labcorp
Classification: Uncertain significance for Shprintzen-Goldberg syndrome. Last evaluated: 2022-11-28. Review status: criteria provided, single submitter. Criteria: Invitae Variant Classification Sherloc (09022015). Collection method: clinical testing. Allele origin: germline.
Comment: This sequence change falls in intron 2 of the SKI gene. It does not directly change the encoded amino acid sequence of the SKI protein. It affects a nucleotide within the consensus splice site. This variant is not present in population databases (gnomAD no frequency). This variant has not been reported in the literature in individuals affected with SKI-related conditions. ClinVar contains an entry for this variant (Variation ID: 1400002). Variants that disrupt the consensus splice site are a relatively common cause of aberrant splicing (PMID: 17576681, 9536098). Algorithms developed to predict the effect of sequence changes on RNA splicing suggest that this variant is not likely to affect RNA splicing. In summary, the available evidence is currently insufficient to determine the role of this variant in disease. Therefore, it has been classified as a Variant of Uncertain Significance.

Literature cited by the submitters: PubMed 17576681; PubMed 9536098.

NM_003036.4(SKI):c.1095+5T>C

Gene: SKI (SKI proto-oncogene; plus strand). Cytogenetic location: 1p36.32.
Variant type: single nucleotide variant.
Coding change: c.1095+5T>C on transcript NM_003036.4 (MANE Select); 5 bases into the intron after coding-DNA position 1095, T replaced by C.
Molecular consequence: intron variant.
Genome position (GRCh38, 1-based): chr1:2,303,108, T>C. VCF-style: chr1-2303108-T-C. GRCh37 (hg19) VCF-style: chr1-2234547-T-C.
Identifiers: ClinVar variation 1400002 (VCV001400002.6), dbSNP rs2100916508, ClinGen allele CA2573131872.